The following is an entry in ClinVar:

ClinVar aggregate classification (germline): Uncertain significance (1 of 4 stars; one submission).

Submission:

GeneDx
Classification: Uncertain significance. Last evaluated: 2023-10-20. Review status: criteria provided, single submitter. Criteria: GeneDx Variant Classification Process June 2021. Collection method: clinical testing. Allele origin: germline. Affected: yes.
Comment: Not observed at significant frequency in large population cohorts (gnomAD); In silico analysis supports that this missense variant does not alter protein structure/function; Has not been previously published as pathogenic or benign to our knowledge

NM_001199799.2(ILDR1):c.1473C>G (p.Ser491Arg)

Gene: ILDR1 (immunoglobulin like domain containing receptor 1; minus strand). Cytogenetic location: 3q13.33.
Variant type: single nucleotide variant.
Coding change: c.1473C>G on transcript NM_001199799.2 (MANE Select); coding-DNA position 1473, C replaced by G.
Protein change: p.Ser491Arg; replaces serine 491 with arginine.
Molecular consequence: missense variant.
Genome position (GRCh38, 1-based): chr3:121,993,276, G>C on the plus strand (C>G on the coding strand, the complement: ILDR1 is on the minus strand). VCF-style: chr3-121993276-G-C. GRCh37 (hg19) VCF-style: chr3-121712123-G-C.
Other names: c.1206C>G, p.Ser402Arg (NM_001199800.2); c.1341C>G, p.Ser447Arg (NM_175924.4); short protein forms S402R, S447R, S491R.
Identifiers: ClinVar variation 3366254 (VCV003366254.1).